The following is an entry in ClinVar:

ClinVar aggregate classification (germline): Likely benign (0 of 4 stars; one submission).

Conditions:
RIN3-related disorder. Also called: RIN3-related condition.

Allele frequency attached by ClinVar (database versions not stated): gnomAD exomes 0.00014; 1000 Genomes Project 0.00020; ExAC 0.00025; 1000 Genomes Project 30x 0.00031; gnomAD 0.00056; TOPMed 0.00060; ESP Exome Variant Server 0.00100.
gnomAD v4.1: 286 of 1,603,840 alleles (0.018%); highest among the groups gnomAD compares: African/African-American, 0.2%; no homozygotes.

Submission:

PreventionGenetics, part of Exact Sciences
Classification: Likely benign for RIN3-related condition. Last evaluated: 2022-07-20. Review status: no assertion criteria provided. Collection method: clinical testing. Allele origin: germline.
Comment: This variant is classified as likely benign based on ACMG/AMP sequence variant interpretation guidelines (Richards et al. 2015 PMID: 25741868, with internal and published modifications).

NM_024832.5(RIN3):c.1279C>T (p.Arg427Trp)

Gene: RIN3 (Ras and Rab interactor 3; plus strand). Cytogenetic location: 14q32.12.
Variant type: single nucleotide variant.
Coding change: c.1279C>T on transcript NM_024832.5 (MANE Select); coding-DNA position 1279, C replaced by T.
Protein change: p.Arg427Trp; replaces arginine 427 with tryptophan.
Molecular consequence: missense variant.
Genome position (GRCh38, 1-based): chr14:92,652,328, C>T. VCF-style: chr14-92652328-C-T. GRCh37 (hg19) VCF-style: chr14-93118673-C-T.
Other names: c.1054C>T, p.Arg352Trp (NM_001319987.2); short protein forms R352W, R427W.
Identifiers: ClinVar variation 3054265 (VCV003054265.2), dbSNP rs141595077, ClinGen allele CA7316707.